The following is an entry in ClinVar:

NM_004213.5(SLC28A1):c.709C>A (p.Gln237Lys)

Gene: SLC28A1 (solute carrier family 28 member 1; plus strand). Cytogenetic location: 15q25.3.
Variant type: single nucleotide variant.
Coding change: c.709C>A on transcript NM_004213.5 (MANE Select); coding-DNA position 709, C replaced by A.
Protein change: p.Gln237Lys; replaces glutamine 237 with lysine.
Molecular consequence: missense variant.
Genome position (GRCh38, 1-based): chr15:84,905,644, C>A. VCF-style: chr15-84905644-C-A. GRCh37 (hg19) VCF-style: chr15-85448875-C-A.
Other names: c.709C>A, p.Gln237Lys (NM_001287761.2, NM_001287762.2, NM_001321721.2 and 1 more transcripts); short protein forms Q237K.
Identifiers: ClinVar variation 3059004 (VCV003059004.2), dbSNP rs8187758, ClinGen allele CA7710517.

ClinVar aggregate classification (germline): Benign (0 of 4 stars; one submission).

Conditions:
SLC28A1-related disorder. Also called: SLC28A1-related condition.

Allele frequency attached by ClinVar (database versions not stated): ESP Exome Variant Server 0.20594; gnomAD 0.23073; TOPMed 0.23178; gnomAD exomes 0.25181; ExAC 0.27380; 1000 Genomes Project 30x 0.29606; 1000 Genomes Project 0.30052.
gnomAD v4.1: 401,610 of 1,608,760 alleles (25%); highest among the groups gnomAD compares: South Asian, 42%; 53,745 homozygotes.

Submission:

PreventionGenetics, part of Exact Sciences
Classification: Benign for SLC28A1-related condition. Last evaluated: 2019-11-01. Review status: no assertion criteria provided. Collection method: clinical testing. Allele origin: germline.
Comment: This variant is classified as benign based on ACMG/AMP sequence variant interpretation guidelines (Richards et al. 2015 PMID: 25741868, with internal and published modifications).